The following is an entry in ClinVar:

NM_000286.3(PEX12):c.44A>C (p.Asp15Ala)

Gene: PEX12 (peroxisomal biogenesis factor 12; minus strand). Cytogenetic location: 17q12.
Variant type: single nucleotide variant.
Coding change: c.44A>C on transcript NM_000286.3 (MANE Select); coding-DNA position 44, A replaced by C.
Protein change: p.Asp15Ala; replaces aspartic acid 15 with alanine.
Molecular consequence: missense variant.
Genome position (GRCh38, 1-based): chr17:35,577,978, T>G on the plus strand (A>C on the coding strand, the complement: PEX12 is on the minus strand). VCF-style: chr17-35577978-T-G. GRCh37 (hg19) VCF-style: chr17-33904997-T-G.
Other names: short protein forms D15A.
Identifiers: ClinVar variation 1966110 (VCV001966110.2), dbSNP rs2142231721, ClinGen allele CA399138993.

ClinVar aggregate classification (germline): Uncertain significance (1 of 4 stars; one submission).

Conditions:
Peroxisome biogenesis disorder 3A (Zellweger). Also called: PEROXISOMAL BIOGENESIS DISORDER 3A (ZELLWEGER); Peroxisome biogenesis disorder 3A. Identifiers: Orphanet 912, MedGen C3553929, MONDO:0013927, OMIM 614859.

Submission:

Labcorp Genetics (formerly Invitae), Labcorp
Classification: Uncertain significance for Peroxisome biogenesis disorder 3A (Zellweger). Last evaluated: 2022-05-27. Review status: criteria provided, single submitter. Criteria: Invitae Variant Classification Sherloc (09022015). Collection method: clinical testing. Allele origin: germline.
Comment: This sequence change replaces aspartic acid, which is acidic and polar, with alanine, which is neutral and non-polar, at codon 15 of the PEX12 protein (p.Asp15Ala). This variant is not present in population databases (gnomAD no frequency). This variant has not been reported in the literature in individuals affected with PEX12-related conditions. Algorithms developed to predict the effect of missense changes on protein structure and function are either unavailable or do not agree on the potential impact of this missense change (SIFT: "Tolerated"; PolyPhen-2: "Possibly Damaging"; Align-GVGD: "Class C0"). In summary, the available evidence is currently insufficient to determine the role of this variant in disease. Therefore, it has been classified as a Variant of Uncertain Significance.